The following is an entry in ClinVar:

NM_014974.3(DIP2C):c.3981C>T (p.His1327=)

Gene: DIP2C (DIP2 acetate--CoA ligase C (putative); minus strand). Cytogenetic location: 10p15.3.
Variant type: single nucleotide variant.
Coding change: c.3981C>T on transcript NM_014974.3 (MANE Select); coding-DNA position 3981, C replaced by T.
Protein change: p.His1327=; no amino-acid change (histidine 1327 retained).
Molecular consequence: synonymous variant.
Genome position (GRCh38, 1-based): chr10:310,036, G>A on the plus strand (C>T on the coding strand, the complement: DIP2C is on the minus strand). VCF-style: chr10-310036-G-A. GRCh37 (hg19) VCF-style: chr10-355976-G-A.
Other names: c.3981C>T (NM_014974.2).
Identifiers: ClinVar variation 1593649 (VCV001593649.10), dbSNP rs200561296, ClinGen allele CA5379631.

ClinVar aggregate classification (germline): Likely benign. Review status: criteria provided, single submitter (1 of 4 stars). 2 submissions from 2 submitters: Likely benign (1). 1 of the submissions does not count toward it. Last evaluated 2025-08-11.

Conditions:
DIP2C-related disorder. Also called: DIP2C-related condition.

Allele frequency attached by ClinVar (database versions not stated): gnomAD exomes 0.00005 and 0.00014; ESP Exome Variant Server 0.00008; gnomAD 0.00008 and 0.00010; TOPMed 0.00008; ExAC 0.00015; 1000 Genomes Project 30x 0.00031; 1000 Genomes Project 0.00040.
gnomAD v4.1: 88 of 1,614,178 alleles (0.0055%); highest among the groups gnomAD compares: East Asian, 0.065%; no homozygotes.

Submissions (2):

Labcorp Genetics (formerly Invitae), Labcorp
Classification: Likely benign. Last evaluated: 2025-08-11. Review status: criteria provided, single submitter. Criteria: Invitae Variant Classification Sherloc (09022015). Collection method: clinical testing. Allele origin: germline.

PreventionGenetics, part of Exact Sciences
Classification: Likely benign for DIP2C-related condition. Last evaluated: 2019-10-28. Review status: no assertion criteria provided. Collection method: clinical testing. Allele origin: germline. Not counted in ClinVar's aggregate classification.
Comment: This variant is classified as likely benign based on ACMG/AMP sequence variant interpretation guidelines (Richards et al. 2015 PMID: 25741868, with internal and published modifications).